The following is an entry in ClinVar:

ClinVar aggregate classification (germline): Likely benign (1 of 4 stars; one submission).

Allele frequency attached by ClinVar (database versions not stated): gnomAD exomes 0.00079; gnomAD 0.00088; ExAC 0.00215; TOPMed 0.00045; 1000 Genomes Project 0.00060; 1000 Genomes Project 30x 0.00062.

Submission:

CeGaT Center for Human Genetics Tuebingen
Classification: Likely benign. Last evaluated: 2022-05-01. Review status: criteria provided, single submitter. Criteria: CeGaT Center For Human Genetics Tuebingen Variant Classification Criteria Version 2. Collection method: clinical testing. Allele origin: germline. Affected: yes. Observed: 1 variant allele.
Comment: MUC19: BP4, BP7

NC_000012.12:g.40465588T>C

Gene: MUC19 (mucin 19, oligomeric (gene/pseudogene); plus strand). Cytogenetic location: 12q12.
Variant type: single nucleotide variant.
Genome position: GRCh38 VCF-style: chr12-40465588-T-C. GRCh37 (hg19) VCF-style: chr12-40859390-T-C.
Identifiers: ClinVar variation 2642864 (VCV002642864.24), dbSNP rs531019133, ClinGen allele CA6515713.